The following is an entry in ClinVar:

ClinVar aggregate classification (germline): Pathogenic. Review status: criteria provided, multiple submitters, no conflicts (2 of 4 stars). 10 submissions from 10 submitters: Pathogenic (10). Last evaluated 2025-12-03.

Conditions:
Retinitis pigmentosa 25 (RP25). Identifiers: Orphanet 791, MedGen C1864446, MONDO:0011272, OMIM 602772.
Retinal dystrophy. Also called: Inherited retinal dystrophy. Identifiers: Orphanet 71862, MedGen C0854723, MeSH D058499, MONDO:0019118, HP:0000556.
EYS-related disorder. Also called: EYS-related condition.

Allele frequency attached by ClinVar (database versions not stated): TOPMed 0.00001; gnomAD exomes 0.00002.

Submissions (10):

Labcorp Genetics (formerly Invitae), Labcorp
Classification: Pathogenic. Last evaluated: 2025-12-03. Review status: criteria provided, single submitter. Criteria: Invitae Variant Classification Sherloc (09022015). Collection method: clinical testing. Allele origin: germline.
Comment: This sequence change creates a premature translational stop signal (p.Leu3013Serfs*6) in the EYS gene. While this is not anticipated to result in nonsense mediated decay, it is expected to disrupt the last 132 amino acid(s) of the EYS protein. This variant is not present in population databases (gnomAD no frequency). This premature translational stop signal has been observed in individual(s) with retinitis pigmentosa (PMID: 27735924, 29159838). ClinVar contains an entry for this variant (Variation ID: 647784). Experimental studies and prediction algorithms are not available or were not evaluated, and the functional significance of this variant is currently unknown. This variant disrupts a region of the EYS protein in which other variant(s) (p.Val3096Leufs*28) have been determined to be pathogenic (PMID: 24474277, 26261414, 29550188). This suggests that this is a clinically significant region of the protein, and that variants that disrupt it are likely to be disease-causing. For these reasons, this variant has been classified as Pathogenic.

PreventionGenetics, part of Exact Sciences
Classification: Pathogenic for EYS-related condition. Last evaluated: 2025-10-15. Review status: criteria provided, single submitter. Criteria: ACMG Guidelines, 2015. Collection method: clinical testing. Allele origin: germline.
Comment: The EYS c.9036delT variant is predicted to result in a frameshift and premature protein termination (p.Leu3013Serfs*6). This variant has been reported in multiple individuals with retinal disease (see for examples: Bujakowska et al. 2017. PubMed ID: 27735924; Pierrache et al. 2019. PubMed ID: 31074760; Table S1, Lin et al. 2024. PubMed ID: 38219857). This variant is absent in a large population database (gnomAD), indicating this variant is rare. Frameshift variants in EYS are an established mechanism of disease. This variant is interpreted as pathogenic.

Natera, Inc.
Classification: Pathogenic for Retinitis pigmentosa type 25. Last evaluated: 2025-06-17. Review status: criteria provided, single submitter. Criteria: Natera Variant Classification Schema (03/2026). Collection method: clinical testing. Allele origin: germline.
Comment: The c.9036delT variant in EYS is a frameshift variant predicted to shift the reading frame beginning at codon 3013 and leads to a stop codon 6 codons downstream. This variant is expected to result in nonsense mediated decay, truncation, or a dysfunctional protein product. This variant is rare in the general population with a frequency below the threshold expected for the associated phenotype(s). This variant has been observed in one or more individuals affected with the associated recessive disease, as either homozygous or compound heterozygous with a second variant (PMID: 27735924, 29159838, 33749171). Given the available evidence, this variant is classified as Pathogenic.

Blueprint Genetics
Classification: Pathogenic for EYS-related disorders. Last evaluated: 2024-08-01. Review status: criteria provided, single submitter. Criteria: ACMG Guidelines, 2015. Collection method: clinical testing. Allele origin: germline. Affected: yes. Observed: 5 variant alleles.

Baylor Genetics
Classification: Pathogenic for Retinitis pigmentosa 25. Last evaluated: 2024-03-11. Review status: criteria provided, single submitter. Criteria: ACMG Guidelines, 2015. Collection method: clinical testing. Allele origin: unknown.

Laboratory of Medical Genetics, National & Kapodistrian University of Athens
Classification: Pathogenic for Retinitis pigmentosa 25. Last evaluated: 2023-05-17. Review status: criteria provided, single submitter. Criteria: ACMG Guidelines, 2015. Collection method: clinical testing. Allele origin: germline. Affected: yes.
Comment: PVS1, PS4, PM2, PP5 - ClinVar contains an entry for this variant (Variation ID: 647784). The variant has been previously reported in patients with EYS-related retinal dystrophy (PMID: 31074760). Loss-of-function is a known mechanism of disease for this gene.

CeGaT Center for Human Genetics Tuebingen
Classification: Pathogenic. Last evaluated: 2023-04-01. Review status: criteria provided, single submitter. Criteria: CeGaT Center For Human Genetics Tuebingen Variant Classification Criteria Version 2. Collection method: clinical testing. Allele origin: germline. Affected: yes. Observed: 2 variant alleles.
Comment: EYS: PM3:Strong, PVS1:Strong, PM2, PP4

Revvity Omics, Revvity
Classification: Pathogenic for Retinitis pigmentosa 25. Last evaluated: 2021-02-06. Review status: criteria provided, single submitter. Criteria: ACMG Guidelines, 2015. Collection method: clinical testing. Allele origin: germline.

Victorian Clinical Genetics Services, Murdoch Childrens Research Institute
Classification: Pathogenic for Retinitis pigmentosa 25. Last evaluated: 2020-05-26. Review status: criteria provided, single submitter. Criteria: ACMG Guidelines, 2015. Collection method: clinical testing. Allele origin: germline. Inheritance: Autosomal recessive inheritance. Affected: yes.
Comment: Based on the classification scheme VCGS_Germline_v1.1.1, this variant is classified as Pathogenic. Following criteria are met: 0102 - Loss-of-function is a known mechanism of disease for this gene. (N) 0106 - This gene is known to be associated with autosomal recessive disease. (N) 0205 - Variant is predicted to result in a truncated protein with less than 1/3 of the protein affected (exon 43 of 43). (P) 0251 - Variant is heterozygous. (N) 0301 - Variant is absent from gnomAD. (P) 0600 - Variant is located in an annotated domain or motif and truncation will result in loss of part of the laminin G domain (NCBI, Decipher, PDB). (N) 0701 - Comparable variants have very strong previous evidence for pathogenicity. Other variants predicted to cause a truncated protein have been reported as pathogenic in individuals with retinitis pigmentosa (ClinVar, Decipher). (P) 0803 - Low previous evidence of pathogenicity in unrelated individuals. The variant has been previously reported in patients with EYS-related retinal dystrophy (ClinVar, PMID: 31074760). (P) 1208 - Inheritance information for this variant is not currently available. (N) Legend: (P) - Pathogenic, (N) - Neutral, (B) - Benign

Institute of Human Genetics, Univ. Regensburg, Univ. Regensburg
Classification: Pathogenic for Retinal dystrophy. Last evaluated: 2018-01-01. Review status: criteria provided, single submitter. Criteria: ACMG Guidelines, 2015. Collection method: clinical testing. Allele origin: germline. Affected: yes.

Literature cited by the submitters: PubMed 27735924 (cited by 3 submitters); PubMed 29159838 (cited by Labcorp Genetics (formerly Invitae), Labcorp and Natera, Inc.); PubMed 24474277 (cited by Labcorp Genetics (formerly Invitae), Labcorp); PubMed 26261414 (cited by Labcorp Genetics (formerly Invitae), Labcorp); PubMed 29550188 (cited by Labcorp Genetics (formerly Invitae), Labcorp); PubMed 33749171 (cited by Natera, Inc. and Institute of Human Genetics, Univ. Regensburg, Univ. Regensburg); PubMed 31074760 (cited by Victorian Clinical Genetics Services, Murdoch Childrens Research Institute and Institute of Human Genetics, Univ. Regensburg, Univ. Regensburg).

NM_001142800.2(EYS):c.9036del (p.Leu3013fs)

Genes: EYS (EGF-like photoreceptor maintenance factor; minus strand), PHF3 (PHD finger protein 3; plus strand). Cytogenetic location: 6q12.
Variant type: Deletion.
Coding change: c.9036del on transcript NM_001142800.2 (MANE Select); coding-DNA position 9036, one base deleted (T; older notation c.9036delT).
Protein change: p.Leu3013fs; shifts the reading frame from leucine 3013.
Molecular consequence: frameshift variant. On other transcripts: 3 prime UTR variant (5).
Genome position (GRCh38, 1-based): chr6:63,720,995, A deleted on the plus strand (T on the coding strand, the reverse complement: EYS is on the minus strand). VCF-style (leftmost placement, unchanged base first): chr6-63720994-GA-G. GRCh37 (hg19) VCF-style: chr6-64430890-GA-G.
Other names: c.*7287del (NM_001290259.2, NM_001370348.2, NM_001370349.2 and 2 more transcripts); c.9099del, p.Leu3034fs (NM_001292009.2); c.9036delT (NM_001142800.1); short protein forms L3034fs, L3013fs.
Identifiers: ClinVar variation 647784 (VCV000647784.46), dbSNP rs1225304963, ClinGen allele CA826969451.